The following is an entry in ClinVar:

ClinVar aggregate classification (germline): Likely pathogenic. Review status: criteria provided, multiple submitters, no conflicts (2 of 4 stars). 2 submissions from 2 submitters: Likely pathogenic (2). Last evaluated 2024-10-02.

Conditions:
Aicardi-Goutieres syndrome 6 (AGS6). Identifiers: Orphanet 51, MedGen C3539013, MONDO:0014007, OMIM 615010.

Submissions (2):

Institute of Human Genetics, University of Leipzig Medical Center
Classification: Likely pathogenic for Aicardi-Goutieres syndrome 6. Last evaluated: 2024-10-02. Review status: criteria provided, single submitter. Criteria: ACMG Guidelines, 2015. Collection method: clinical testing. Allele origin: inherited. Inheritance: Autosomal recessive inheritance. Affected: yes.
Comment: Criteria applied: PM2,PM3_SUP,PP3,PM5

MVZ Medizinische Genetik Mainz
Classification: Likely pathogenic for Aicardi-Goutieres syndrome 6. Last evaluated: 2023-11-02. Review status: criteria provided, single submitter. Criteria: UK Practice Guidelines For Variant Classification V4 01 2020. Collection method: clinical testing. Allele origin: germline. Inheritance: Autosomal recessive inheritance. Affected: yes. Observed: 1 variant allele.
Comment: ACMG Criteria: PM2_SUP,PM3_SUP,PM5_SUP,PP2,PP3

NM_001111.5(ADAR):c.3364A>C (p.Lys1122Gln)

Gene: ADAR (adenosine deaminase RNA specific; minus strand). Cytogenetic location: 1q21.3.
Variant type: single nucleotide variant.
Coding change: c.3364A>C on transcript NM_001111.5 (MANE Select); coding-DNA position 3364, A replaced by C.
Protein change: p.Lys1122Gln; replaces lysine 1122 with glutamine.
Molecular consequence: missense variant.
Genome position (GRCh38, 1-based): chr1:154,585,296, T>G on the plus strand (A>C on the coding strand, the complement: ADAR is on the minus strand). VCF-style: chr1-154585296-T-G. GRCh37 (hg19) VCF-style: chr1-154557772-T-G.
Other names: c.2479A>C, p.Lys827Gln (NM_001025107.3, NM_001193495.2, NM_001365046.1 and 2 more transcripts); c.3391A>C, p.Lys1131Gln (NM_001365045.1); c.2401A>C, p.Lys801Gln (NM_001365049.1); c.3286A>C, p.Lys1096Gln (NM_015840.4); c.3229A>C, p.Lys1077Gln (NM_015841.4); short protein forms K1077Q, K1096Q, K1122Q, K1131Q, K801Q, K827Q.
Identifiers: ClinVar variation 3066100 (VCV003066100.5), dbSNP rs2526449847, ClinGen allele CA342635130.